The following is an entry in ClinVar:

ClinVar aggregate classification (germline): Uncertain significance. Review status: criteria provided, multiple submitters, no conflicts (2 of 4 stars). 2 submissions from 2 submitters: Uncertain significance (2). Last evaluated 2025-10-16.

Conditions:
UCP3-related disorder. Also called: UCP3-related condition.

Allele frequency attached by ClinVar (database versions not stated): ExAC 0.00001; gnomAD 0.00001; TOPMed 0.00002.

Submissions (2):

PreventionGenetics, part of Exact Sciences
Classification: Uncertain significance for UCP3-related condition. Last evaluated: 2025-10-16. Review status: criteria provided, single submitter. Criteria: ACMG Guidelines, 2015. Collection method: clinical testing. Allele origin: germline.
Comment: The UCP3 c.313G>A variant is predicted to result in the amino acid substitution p.Val105Met. To our knowledge, this variant has not been reported in the literature. This variant is reported in 0.0029% of alleles in individuals of Latino descent in gnomAD. At this time, the clinical significance of this variant is uncertain due to the absence of conclusive functional and genetic evidence.

Ambry Genetics
Classification: Uncertain significance. Last evaluated: 2023-11-20. Review status: criteria provided, single submitter. Criteria: Ambry Variant Classification Scheme 2023. Collection method: clinical testing. Allele origin: germline.

NM_003356.4(UCP3):c.313G>A (p.Val105Met)

Gene: UCP3 (uncoupling protein 3; minus strand). Cytogenetic location: 11q13.4.
Variant type: single nucleotide variant.
Coding change: c.313G>A on transcript NM_003356.4 (MANE Select); coding-DNA position 313, G replaced by A.
Protein change: p.Val105Met; replaces valine 105 with methionine.
Molecular consequence: missense variant.
Genome position (GRCh38, 1-based): chr11:74,006,193, C>T on the plus strand (G>A on the coding strand, the complement: UCP3 is on the minus strand). VCF-style: chr11-74006193-C-T. GRCh37 (hg19) VCF-style: chr11-73717238-C-T.
Other names: c.313G>A, p.Val105Met (NM_022803.3); short protein forms V105M.
Identifiers: ClinVar variation 3185993 (VCV003185993.2), dbSNP rs777632209, ClinGen allele CA6181545.
Genomic context (GRCh38, chr11:74,006,193, plus strand): 5'-GCCACCCCTTTGGTGTTCAGGGACCTGGTCACTCACTGTCCGCGCCTTTGGGGGTGTACA[C>T]CTGCTTGACGGAGTCATAGAGGCCGATGCGGATGGAGGCGAAGCTCATCTGGCGCTGCAG-3'
Protein context (NP_003347.1, residues 95-115): RIGLYDSVKQ[Val105Met]YTPKGADNSS